The following is an entry in ClinVar:

NM_014141.6(CNTNAP2):c.3106G>A (p.Ala1036Thr)

Gene: CNTNAP2 (contactin associated protein 2; plus strand). Cytogenetic location: 7q36.1.
Variant type: single nucleotide variant.
Coding change: c.3106G>A on transcript NM_014141.6 (MANE Select); coding-DNA position 3106, G replaced by A.
Protein change: p.Ala1036Thr; replaces alanine 1036 with threonine.
Molecular consequence: missense variant.
Genome position (GRCh38, 1-based): chr7:148,217,383, G>A. VCF-style: chr7-148217383-G-A. GRCh37 (hg19) VCF-style: chr7-147914475-G-A.
Other names: short protein forms A1036T.
Identifiers: ClinVar variation 420805 (VCV000420805.12), dbSNP rs545175315, ClinGen allele CA16618387.
Genomic context (GRCh38, chr7:148,217,383, plus strand): 5'-CGATATAACTTTCAGGCACCAGCAACAAATGCCAGAGACTCCAGCAGCAGAGTAGACAAC[G>A]CTCCCGACCAGCAGAACTCCCACCCGGACCTGGCACAGGAGGAGATCCGCTTCAGCTTCA-3'
Protein context (NP_054860.1, residues 1026-1046): ARDSSSRVDN[Ala1036Thr]PDQQNSHPDL

ClinVar aggregate classification (germline): Uncertain significance. Review status: criteria provided, multiple submitters, no conflicts (2 of 4 stars). 4 submissions from 4 submitters: Uncertain significance (4). Last evaluated 2022-08-10.

Conditions:
Cortical dysplasia-focal epilepsy syndrome (PTHSL1). Also called: Pitt-Hopkins-like syndrome 1. Identifiers: Orphanet 163681, Orphanet 221150, MedGen C2750246, MONDO:0012400, OMIM 610042.
Autism, susceptibility to, 15. Also called: Autism susceptibility 15. Identifiers: MedGen C2677504, MONDO:0012801, OMIM 612100.
Inborn genetic diseases. Identifiers: MedGen C0950123, MeSH D030342.

Allele frequency attached by ClinVar (database versions not stated): gnomAD 0.00001 and 0.00002; TOPMed 0.00003.
gnomAD v4.1: 32 of 1,613,878 alleles (0.002%); highest among the groups gnomAD compares: African/African-American, 0.0067%; no homozygotes.

Submissions (4):

Labcorp Genetics (formerly Invitae), Labcorp
Classification: Uncertain significance for Cortical dysplasia-focal epilepsy syndrome. Last evaluated: 2022-08-10. Review status: criteria provided, single submitter. Criteria: Invitae Variant Classification Sherloc (09022015). Collection method: clinical testing. Allele origin: germline.
Comment: This sequence change replaces alanine, which is neutral and non-polar, with threonine, which is neutral and polar, at codon 1036 of the CNTNAP2 protein (p.Ala1036Thr). This variant is present in population databases (rs545175315, gnomAD 0.007%). This variant has not been reported in the literature in individuals affected with CNTNAP2-related conditions. ClinVar contains an entry for this variant (Variation ID: 420805). Algorithms developed to predict the effect of missense changes on protein structure and function (SIFT, PolyPhen-2, Align-GVGD) all suggest that this variant is likely to be tolerated. In summary, the available evidence is currently insufficient to determine the role of this variant in disease. Therefore, it has been classified as a Variant of Uncertain Significance.

Ambry Genetics
Classification: Uncertain significance for Inborn genetic diseases. Last evaluated: 2021-09-17. Review status: criteria provided, single submitter. Criteria: Ambry Variant Classification Scheme 2023. Collection method: clinical testing. Allele origin: germline.

GeneDx
Classification: Uncertain significance. Last evaluated: 2021-08-05. Review status: criteria provided, single submitter. Criteria: GeneDx Variant Classification Process June 2021. Collection method: clinical testing. Allele origin: germline. Affected: yes.
Comment: Not observed at significant frequency in large population cohorts (Lek et al., 2016); In silico analysis supports that this missense variant does not alter protein structure/function; Has not been previously published as pathogenic or benign to our knowledge; This variant is associated with the following publications: (PMID: 19896112)

Fulgent Genetics
Classification: Uncertain significance for Cortical dysplasia-focal epilepsy syndrome; Autism, susceptibility to, 15. Last evaluated: 2018-10-31. Review status: criteria provided, single submitter. Criteria: ACMG Guidelines, 2015. Collection method: clinical testing. Allele origin: unknown.